The following is an entry in ClinVar:

NM_213599.3(ANO5):c.2279T>A (p.Val760Asp)

Gene: ANO5 (anoctamin 5; plus strand). Cytogenetic location: 11p14.3.
Variant type: single nucleotide variant.
Coding change: c.2279T>A on transcript NM_213599.3 (MANE Select); coding-DNA position 2279, T replaced by A.
Protein change: p.Val760Asp; replaces valine 760 with aspartic acid.
Molecular consequence: missense variant.
Genome position (GRCh38, 1-based): chr11:22,274,612, T>A. VCF-style: chr11-22274612-T-A. GRCh37 (hg19) VCF-style: chr11-22296158-T-A.
Other names: c.2276T>A, p.Val759Asp (NM_001142649.2); c.2237T>A, p.Val746Asp (NM_001410963.1); c.2234T>A, p.Val745Asp (NM_001410964.1); short protein forms V759D, V745D, V746D, V760D.
Identifiers: ClinVar variation 2119816 (VCV002119816.4), dbSNP rs2494386512, ClinGen allele CA379924166.
Genomic context (GRCh38, chr11:22,274,612, plus strand): 5'-TTTTTTTTATTCTTCAGGCCTTTATTGTTGCATTTACGTCAGACATCATTCCCCGTCTAG[T>A]TTACTACTATGCTTACTCAACAAATGCCACACAGCCTATGACAGGATATGTGAATAATAG-3'
Protein context (NP_998764.1, residues 750-770): AFTSDIIPRL[Val760Asp]YYYAYSTNAT

ClinVar aggregate classification (germline): Uncertain significance (1 of 4 stars; one submission).

Conditions:
Gnathodiaphyseal dysplasia (GDD). Also called: GNATHODIAPHYSEAL SCLEROSIS; OSTEOGENESIS IMPERFECTA WITH UNUSUAL SKELETAL LESIONS. Identifiers: Orphanet 53697, MedGen C1833736, MONDO:0008151, OMIM 166260.
Autosomal recessive limb-girdle muscular dystrophy type 2L (LGMDR12). Also called: Limb-girdle muscular dystrophy, type 2L; MUSCULAR DYSTROPHY, LIMB-GIRDLE, AUTOSOMAL RECESSIVE 12; Limb-Girdle Muscular Dystrophy R12 Anoctamin-5-Related (LGMD-R12). Identifiers: Orphanet 206549, MedGen C1969785, MONDO:0012652, OMIM 611307.

Submission:

Labcorp Genetics (formerly Invitae), Labcorp
Classification: Uncertain significance for Autosomal recessive limb-girdle muscular dystrophy type 2L; Gnathodiaphyseal dysplasia. Last evaluated: 2022-03-31. Review status: criteria provided, single submitter. Criteria: Invitae Variant Classification Sherloc (09022015). Collection method: clinical testing. Allele origin: germline.
Comment: This variant has not been reported in the literature in individuals affected with ANO5-related conditions. This variant is not present in population databases (gnomAD no frequency). This sequence change replaces valine, which is neutral and non-polar, with aspartic acid, which is acidic and polar, at codon 760 of the ANO5 protein (p.Val760Asp). Advanced modeling of protein sequence and biophysical properties (such as structural, functional, and spatial information, amino acid conservation, physicochemical variation, residue mobility, and thermodynamic stability) performed at Invitae indicates that this missense variant is expected to disrupt ANO5 protein function. In summary, the available evidence is currently insufficient to determine the role of this variant in disease. Therefore, it has been classified as a Variant of Uncertain Significance.